The following is an entry in ClinVar:

NM_000558.5(HBA1):c.237del (p.Asn79fs)

Genes: HBA1 (hemoglobin subunit alpha 1; plus strand), LOC106804613 (hemoglobin subunit alpha 1 recombination region; plus strand). Cytogenetic location: 16p13.3.
Variant type: Deletion.
Coding change: c.237del on transcript NM_000558.5 (MANE Select); coding-DNA position 237, one base deleted (C; older notation c.237delC).
Protein change: p.Asn79fs; shifts the reading frame from asparagine 79.
Molecular consequence: frameshift variant.
Genome position (GRCh38, 1-based): chr16:177,070, C deleted. VCF-style (leftmost placement, unchanged base first): chr16-177069-AC-A. GRCh37 (hg19) VCF-style: chr16-227068-AC-A.
Other names: c.237delC (NM_000558.4); short protein forms N79fs.
Identifiers: ClinVar variation 619842 (VCV000619842.18), dbSNP rs767911847, ClinGen allele CA7770248.
Genomic context (GRCh38, chr16:177,069, plus strand): 5'-ACGGCAAGAAGGTGGCCGACGCGCTGACCAACGCCGTGGCGCACGTGGACGACATGCCCA[AC>A]GCGCTGTCCGCCCTGAGCGACCTGCACGCGCACAAGCTTCGGGTGGACCCGGTCAACTTC-3'

ClinVar aggregate classification (germline): Pathogenic/Likely pathogenic. Review status: criteria provided, multiple submitters, no conflicts (2 of 4 stars). 8 submissions from 8 submitters: Pathogenic (5); Likely pathogenic (2). 1 of the submissions does not count toward it. Last evaluated 2026-08-10.

Conditions:
HBA1-related disorder. Also called: HBA1-related condition.
Heinz body anemia. Also called: Heinz body hemolytic anemia. Identifiers: Orphanet 178330, MedGen C0700299, MONDO:0007705, OMIM 140700, HP:0005511.
Erythrocytosis, familial, 7. Also called: ERYTHROCYTOSIS, ALPHA-GLOBIN TYPE; POLYCYTHEMIA, ALPHA-GLOBIN TYPE; ERYTHROCYTOSIS 7. Identifiers: MedGen C4693823, MONDO:0054802, OMIM 617981.
Methemoglobinemia, alpha type. Identifiers: MedGen C4693798, MONDO:0020835, OMIM 617973.
alpha Thalassemia. Also called: Alpha thalassemia spectrum. Identifiers: Orphanet 846, MedGen C0002312, MONDO:0011399, OMIM 604131.
Hemoglobin H disease (HBH). Also called: ALPHA-THALASSEMIA, HEMOGLOBIN H TYPE; HEMOGLOBIN H DISEASE, DELETIONAL; Hemoglobin H (HbH) Disease. Identifiers: Orphanet 93616, MedGen C3161174, MONDO:0013512, OMIM 613978. Disease mechanism: loss of function.

Allele frequency attached by ClinVar (database versions not stated): ExAC below 0.00001; gnomAD exomes 0.00003; gnomAD 0.00009; TOPMed 0.00011.

Submissions (8):

GeneDx
Classification: Likely pathogenic. Last evaluated: 2026-08-10. Review status: criteria provided, single submitter. Criteria: GeneDx Variant Classification Process June 2021. Collection method: clinical testing. Allele origin: germline.
Comment: Has been observed in patients with alpha-thalassemia (PMID: 36567661, 16798638); Frameshift variant predicted to result in abnormal protein length as the last 64 amino acids are replaced with 5 different amino acids, and other similar variants have been reported in HGMD; This variant is associated with the following publications: (PMID: 20507641, 33887194, 31286593, 36567661, 16798638)

PreventionGenetics, part of Exact Sciences
Classification: Pathogenic for HBA1-related condition. Last evaluated: 2026-01-22. Review status: criteria provided, single submitter. Criteria: ACMG Guidelines, 2015. Collection method: clinical testing. Allele origin: germline.
Comment: The HBA1 c.237delC variant is predicted to result in a frameshift and premature protein termination (p.Asn79Lysfs*6). This variant was reported in an individual with Alpha Thalassaemia (Eng et al 2006. PubMed ID: 16798638). This variant is reported in 0.053% of alleles in individuals of African descent in gnomAD. Frameshift variants in HBA1 are expected to be pathogenic. This variant is interpreted as pathogenic.

Natera, Inc.
Classification: Pathogenic for Alpha thalassemia. Last evaluated: 2025-12-26. Review status: criteria provided, single submitter. Criteria: Natera Variant Classification Schema (03/2026). Collection method: clinical testing. Allele origin: germline.
Comment: The c.237delC variant in HBA1 is a frameshift variant predicted to shift the reading frame beginning at codon 79 and leads to a stop codon 6 codons downstream. This variant is expected to result in nonsense mediated decay, truncation, or a dysfunctional protein product. This variant is rare in the general population with a frequency below the threshold expected for the associated phenotype(s). This variant has been observed in one or more individuals affected with the associated recessive disease, as either homozygous or compound heterozygous with a second variant (PMID: 36567661, 16798638). Given the available evidence, this variant is classified as Pathogenic.

ARUP Laboratories, Molecular Genetics and Genomics, ARUP Laboratories
Classification: Pathogenic. Last evaluated: 2025-07-17. Review status: criteria provided, single submitter. Criteria: ARUP Molecular Germline Variant Investigation Process 2024. Collection method: clinical testing. Allele origin: germline.
Comment: The HBA1 c.237del; p.Asn79LysfsTer6 variant, (also known as Asn78fs when numbered from the mature protein, rs767911847) is reported in the literature along with â€“SEA deletion in an individual with Hb Bartâ€™s (Eng 2006). This variant is also reported in ClinVar (Variation ID: 619842) and is found in the African population with an allele frequency of 0.05% (4/7614 alleles) in the Genome Aggregation Database. This variant causes a frameshift by deleting a single nucleotide, so it is predicted to result in a truncated protein or mRNA subject to nonsense-mediated decay. Based on available information, this variant is considered to be pathogenic. References: Eng B et al. Three new alpha-thalassemia point mutations ascertained through newborn screening. Hemoglobin. 2006;30(2):149-53. PMID: 16798638.

Quest Diagnostics Nichols Institute San Juan Capistrano
Classification: Pathogenic. Last evaluated: 2025-04-23. Review status: criteria provided, single submitter. Criteria: Quest Diagnostics criteria. Collection method: clinical testing. Allele origin: unknown.
Comment: The HBA1 c.237del (p.Asn79Lysfs*6) variant (also known as CD 78 -C) alters the translational reading frame of the HBA1 mRNA and causes the premature termination of HBA1 protein synthesis. In the published literature, this variant has been reported in individuals with alpha-thalassemia who also carried the --SEA deletion or -alpha3.7 alpha-globin deletion on the opposite chromosome (PMID: 16798638 (2006)). The frequency of this variant in the general population (Genome Aggregation Database) is consistent with pathogenicity. Based on the available information, this variant is classified as pathogenic.

Fulgent Genetics
Classification: Pathogenic for Heinz body anemia; alpha Thalassemia; Hemoglobin H disease; Methemoglobinemia, alpha type; Erythrocytosis, familial, 7. Last evaluated: 2024-02-13. Review status: criteria provided, single submitter. Criteria: ACMG Guidelines, 2015. Collection method: clinical testing. Allele origin: germline.

Laboratory for Molecular Medicine, Mass General Brigham Personalized Medicine
Classification: Likely pathogenic for alpha Thalassemia. Last evaluated: 2023-02-02. Review status: criteria provided, single submitter. Criteria: ACMG Guidelines, 2015. Collection method: clinical testing. Allele origin: germline.
Comment: The p.Asn79LysfsX6 variant in HBA1 has been reported in at least 1 individual with alpha thalasemia (Eng 2006 PMID: 16798638). This variant has been reported in ClinVar (Variation ID 619842) and was identified in 11/40942 African chromosomes by gnomAD. This variant is predicted to cause a frameshift, which alters the protein’s amino acid sequence beginning at position 79 and leads to a premature termination codon 6 amino acids downstream. This alteration is then predicted to lead to a truncated or absent protein. Loss of function of the HBA1 gene is an established disease mechanism in autosomal recessive Alpha Thalassaemia. In summary, although additional studies are required to fully establish its clinical significance, this variant meets criteria to be classified as likely pathogenic for autosomal recessive alpha thalassemia. ACMG/AMP Criteria applied: PVS1, PM2_supporting. (This variant did not meet the variant calling quality criteria, and was included because it has been previously reported as a clinically significant variant.)

OMIM
Classification: Pathogenic for ALPHA-THALASSEMIA. Last evaluated: 2006-01-01. Review status: no assertion criteria provided. Collection method: literature only. Allele origin: germline. Not counted in ClinVar's aggregate classification.

Literature cited by the submitters: PubMed 36567661 (cited by Natera, Inc.); PubMed 16798638 (cited by 3 submitters); PubMed 20507641 (cited by Quest Diagnostics Nichols Institute San Juan Capistrano).